The following is an entry in ClinVar:

NM_000059.4(BRCA2):c.8754+187C>T

Gene: BRCA2 (BRCA2 DNA repair associated; plus strand). Cytogenetic location: 13q13.1.
Variant type: single nucleotide variant.
Coding change: c.8754+187C>T on transcript NM_000059.4 (MANE Select); 187 bases into the intron after coding-DNA position 8754, C replaced by T.
Molecular consequence: intron variant.
Genome position (GRCh38, 1-based): chr13:32,376,978, C>T. VCF-style: chr13-32376978-C-T. GRCh37 (hg19) VCF-style: chr13-32951115-C-T.
Other names: IVS 21+187C>T.
Identifiers: ClinVar variation 209837 (VCV000209837.5), dbSNP rs3764792, ClinGen allele CA276805.

ClinVar aggregate classification (germline): Benign. Review status: reviewed by expert panel (3 of 4 stars). 3 submissions from 3 submitters: Benign (1). 2 of the submissions do not count toward it. Last evaluated 2015-01-12.

Conditions:
Breast-ovarian cancer, familial, susceptibility to, 2 (BROVCA2). Also called: BRCA2 Hereditary Breast and Ovarian Cancer. Identifiers: Orphanet 145, MedGen C2675520, MONDO:0012933, OMIM 612555. Disease mechanism: loss of function.

Allele frequency attached by ClinVar (database versions not stated): TOPMed 0.21416; gnomAD 0.21545 and 0.21800; 1000 Genomes Project 30x 0.22033; 1000 Genomes Project 0.22544.
gnomAD v4.1: 33,003 of 151,778 alleles (22%); highest among the groups gnomAD compares: East Asian, 39%; 3,676 homozygotes.

Submissions (3):

Evidence-based Network for the Interpretation of Germline Mutant Alleles (ENIGMA)
Classification: Benign for Breast-ovarian cancer, familial 2. Last evaluated: 2015-01-12. Review status: reviewed by expert panel. Criteria: ENIGMA BRCA1/2 Classification Criteria (2015). Collection method: curation. Allele origin: germline.
Comment: Class 1 not pathogenic based on frequency >1% in an outbred sampleset. Frequency 0.3811 (Asian), 0.1402 (African), 0.2177 (European), derived from 1000 genomes (2012-04-30).

GeneDx
Classification: Benign. Last evaluated: 2018-06-23. Review status: criteria provided, single submitter. Criteria: GeneDx Variant Classification Process June 2021. Collection method: clinical testing. Allele origin: germline. Affected: yes. Not counted in ClinVar's aggregate classification.

Breakthrough Genomics
Classification: Benign. Review status: criteria provided, single submitter. Criteria: ACMG Guidelines, 2015. Collection method: not provided. Allele origin: germline. Inheritance: Autosomal recessive inheritance. Affected: yes. Not counted in ClinVar's aggregate classification.